The following is an entry in ClinVar:

NM_201384.3(PLEC):c.7621A>T (p.Met2541Leu)

Gene: PLEC (plectin; minus strand). Cytogenetic location: 8q24.3.
Variant type: single nucleotide variant.
Coding change: c.7621A>T on transcript NM_201384.3 (MANE Select); coding-DNA position 7621, A replaced by T.
Protein change: p.Met2541Leu; replaces methionine 2541 with leucine.
Molecular consequence: missense variant.
Genome position (GRCh38, 1-based): chr8:143,922,200, T>A on the plus strand (A>T on the coding strand, the complement: PLEC is on the minus strand). VCF-style: chr8-143922200-T-A. GRCh37 (hg19) VCF-style: chr8-144996368-T-A.
Other names: c.7702A>T, p.Met2568Leu (NM_000445.5); c.7579A>T, p.Met2527Leu (NM_201378.4); c.7555A>T, p.Met2519Leu (NM_201379.3); c.8032A>T, p.Met2678Leu (NM_201380.4); c.7525A>T, p.Met2509Leu (NM_201381.3); c.7621A>T, p.Met2541Leu (NM_201382.4); c.7633A>T, p.Met2545Leu (NM_201383.3); short protein forms M2509L, M2519L, M2527L, M2541L, M2545L, M2568L, M2678L.
Identifiers: ClinVar variation 502591 (VCV000502591.8), dbSNP rs1554688795, ClinGen allele CA372523771.

ClinVar aggregate classification (germline): Uncertain significance. Review status: criteria provided, multiple submitters, no conflicts (2 of 4 stars). 2 submissions from 2 submitters: Uncertain significance (2). Last evaluated 2023-12-26.

Conditions:
Autosomal recessive limb-girdle muscular dystrophy type 2Q (LGMDR17). Also called: MUSCULAR DYSTROPHY, LIMB-GIRDLE, AUTOSOMAL RECESSIVE 17. Identifiers: Orphanet 254361, MedGen C3150989, MONDO:0013390, OMIM 613723.
Epidermolysis bullosa simplex 5C, with pyloric atresia (EBS5C). Also called: Epidermolysis bullosa simplex with pyloric atresia; PLEC-Related Epidermolysis Bullosa with Pyloric Atresia; PLEC1-Related Epidermolysis Bullosa with Pyloric Atresia. Identifiers: Orphanet 158684, MedGen C2677349, MONDO:0012807, OMIM 612138.
Epidermolysis bullosa simplex 5B, with muscular dystrophy (EBS5B). Also called: EPIDERMOLYSIS BULLOSA SIMPLEX AND LIMB-GIRDLE MUSCULAR DYSTROPHY; Epidermolysis bullosa simplex with muscular dystrophy. Identifiers: Orphanet 257, MedGen C2931072, MONDO:0009181, OMIM 226670.
Epidermolysis bullosa simplex with nail dystrophy (EBS5D). Identifiers: MedGen C4225309, MONDO:0014661, OMIM 616487.
Epidermolysis bullosa simplex, Ogna type (EBS5A). Also called: Pidermolysis bullosa simplex 5A, Ogna type; EPIDERMOLYSIS BULLOSA SIMPLEX 5A, OGNA TYPE. Identifiers: Orphanet 79401, MedGen C0432317, MONDO:0007555, OMIM 131950.

gnomAD v4.1: 1 of 1,552,670 alleles (0.000064%); highest among the groups gnomAD compares: Non-Finnish European, 0.000087%; no homozygotes.

Submissions (2):

Labcorp Genetics (formerly Invitae), Labcorp
Classification: Uncertain significance for Autosomal recessive limb-girdle muscular dystrophy type 2Q; Epidermolysis bullosa simplex, Ogna type; Epidermolysis bullosa simplex with nail dystrophy; Epidermolysis bullosa simplex 5C, with pyloric atresia; Epidermolysis bullosa simplex 5B, with muscular dystrophy. Last evaluated: 2023-12-26. Review status: criteria provided, single submitter. Criteria: Invitae Variant Classification Sherloc (09022015). Collection method: clinical testing. Allele origin: germline.
Comment: This sequence change replaces methionine, which is neutral and non-polar, with leucine, which is neutral and non-polar, at codon 2568 of the PLEC protein (p.Met2568Leu). This variant is not present in population databases (gnomAD no frequency). This variant has not been reported in the literature in individuals affected with PLEC-related conditions. ClinVar contains an entry for this variant (Variation ID: 502591). Algorithms developed to predict the effect of missense changes on protein structure and function output the following: SIFT: "Not Available"; PolyPhen-2: "Benign"; Align-GVGD: "Not Available". The leucine amino acid residue is found in multiple mammalian species, which suggests that this missense change does not adversely affect protein function. In summary, the available evidence is currently insufficient to determine the role of this variant in disease. Therefore, it has been classified as a Variant of Uncertain Significance.

Eurofins Ntd Llc (ga)
Classification: Uncertain significance. Last evaluated: 2017-06-15. Review status: criteria provided, single submitter. Criteria: EGL Classification Definitions 2015. Collection method: clinical testing. Allele origin: germline. Observed: 1 variant allele, 1 heterozygote.